The following is an entry in ClinVar:

NM_002485.5(NBN):c.373A>C (p.Lys125Gln)

Gene: NBN (nibrin; minus strand). Cytogenetic location: 8q21.3.
Variant type: single nucleotide variant.
Coding change: c.373A>C on transcript NM_002485.5 (MANE Select); coding-DNA position 373, A replaced by C.
Protein change: p.Lys125Gln; replaces lysine 125 with glutamine.
Molecular consequence: missense variant.
Genome position (GRCh38, 1-based): chr8:89,980,841, T>G on the plus strand (A>C on the coding strand, the complement: NBN is on the minus strand). VCF-style: chr8-89980841-T-G. GRCh37 (hg19) VCF-style: chr8-90993069-T-G.
Other names: c.127A>C, p.Lys43Gln (NM_001024688.3); short protein forms K125Q, K43Q.
Identifiers: ClinVar variation 582361 (VCV000582361.15), dbSNP rs1563579253, ClinGen allele CA371662024.
Genomic context (GRCh38, chr8:89,980,841, plus strand): 5'-CTGTCCAATTGTTTACAGTAAATCCTCCAAGTTGCAATATAGCTTGATTTAAAGCAGTTT[T>G]CCCAGAGACATCTAAACAAGAAGAGCATGCAACCAAAGGCTCATACTCTATTCTGTAAAT-3'
Protein context (NP_002476.2, residues 115-135): ACSSCLDVSG[Lys125Gln]TALNQAILQL

ClinVar aggregate classification (germline): Uncertain significance. Review status: criteria provided, multiple submitters, no conflicts (2 of 4 stars). 3 submissions from 3 submitters: Uncertain significance (3). Last evaluated 2023-07-21.

Conditions:
Microcephaly, normal intelligence and immunodeficiency (NBS). Also called: Ataxia telangiectasia variant V1; SEEMANOVA SYNDROME II; Immunodeficiency, microcephaly with normal intelligence; Nijmegen breakage syndrome; Microcephaly with normal intelligence immunodeficiency and lymphoreticular malignancies; Nonsyndromal microcephaly autosomal recessive with normal intelligence. Identifiers: Orphanet 647, MedGen C0398791, MONDO:0009623, OMIM 251260.
Hereditary cancer-predisposing syndrome. Also called: Neoplastic Syndromes, Hereditary; Hereditary Cancer Syndrome; Tumor predisposition; Hereditary neoplastic syndrome. Identifiers: Orphanet 140162, MedGen C0027672, MeSH D009386, MONDO:0015356.

Submissions (3):

Labcorp Genetics (formerly Invitae), Labcorp
Classification: Uncertain significance for Microcephaly, normal intelligence and immunodeficiency. Last evaluated: 2023-07-21. Review status: criteria provided, single submitter. Criteria: Invitae Variant Classification Sherloc (09022015). Collection method: clinical testing. Allele origin: germline.
Comment: An algorithm developed to predict the effect of missense changes on protein structure and function (PolyPhen-2) suggests that this variant is likely to be disruptive. In summary, the available evidence is currently insufficient to determine the role of this variant in disease. Therefore, it has been classified as a Variant of Uncertain Significance. ClinVar contains an entry for this variant (Variation ID: 582361). This variant has not been reported in the literature in individuals affected with NBN-related conditions. This variant is not present in population databases (gnomAD no frequency). This sequence change replaces lysine, which is basic and polar, with glutamine, which is neutral and polar, at codon 125 of the NBN protein (p.Lys125Gln).

Genome-Nilou Lab
Classification: Uncertain significance for Microcephaly, normal intelligence and immunodeficiency. Last evaluated: 2021-11-07. Review status: criteria provided, single submitter. Criteria: ACMG Guidelines, 2015. Collection method: clinical testing. Allele origin: germline. Affected: no.

Ambry Genetics
Classification: Uncertain significance for Hereditary cancer-predisposing syndrome. Last evaluated: 2019-01-16. Review status: criteria provided, single submitter. Criteria: Ambry Variant Classification Scheme 2023. Collection method: clinical testing. Allele origin: germline.
Comment: The p.K125Q variant (also known as c.373A>C), located in coding exon 4 of the NBN gene, results from an A to C substitution at nucleotide position 373. The lysine at codon 125 is replaced by glutamine, an amino acid with similar properties. This amino acid position is highly conserved in available vertebrate species. In addition, the in silico prediction for this alteration is inconclusive. Since supporting evidence is limited at this time, the clinical significance of this alteration remains unclear.